The following is an entry in ClinVar:

ClinVar aggregate classification (germline): Benign/Likely benign. Review status: criteria provided, multiple submitters, no conflicts (2 of 4 stars). 2 submissions from 2 submitters: Benign (1); Likely benign (1). Last evaluated 2024-06-12.

Conditions:
Familial adenomatous polyposis 1 (FAP1). Also called: POLYPOSIS, ADENOMATOUS INTESTINAL; FAMILIAL ADENOMATOUS POLYPOSIS 1, ATTENUATED. Identifiers: MedGen C2713442, MONDO:0021056, OMIM 175100. Disease mechanism: loss of function.
Hereditary cancer-predisposing syndrome. Also called: Neoplastic Syndromes, Hereditary; Tumor predisposition; Hereditary neoplastic syndrome; Hereditary Cancer Syndrome. Identifiers: Orphanet 140162, MedGen C0027672, MeSH D009386, MONDO:0015356.

Submissions (2):

Color Diagnostics, LLC DBA Color Health
Classification: Likely benign for Hereditary cancer-predisposing syndrome. Last evaluated: 2024-06-12. Review status: criteria provided, single submitter. Criteria: ACMG Guidelines, 2015. Collection method: clinical testing. Allele origin: germline.

Myriad Genetics, Inc.
Classification: Benign for Familial adenomatous polyposis 1. Last evaluated: 2024-03-08. Review status: criteria provided, single submitter. Criteria: Myriad Autosomal Dominant, Autosomal Recessive and X-Linked Classification Criteria (2023). Collection method: clinical testing. Allele origin: unknown.
Comment: This variant is considered benign. This variant is a silent/synonymous amino acid change and it is not expected to impact splicing.

NM_000038.6(APC):c.2121C>T (p.Leu707=)

Gene: APC (APC regulator of Wnt signaling pathway; plus strand). Cytogenetic location: 5q22.2.
Variant type: single nucleotide variant.
Coding change: c.2121C>T on transcript NM_000038.6 (MANE Select); coding-DNA position 2121, C replaced by T.
Protein change: p.Leu707=; no amino-acid change (leucine 707 retained).
Molecular consequence: synonymous variant. On other transcripts: non-coding transcript variant (2).
Genome position (GRCh38, 1-based): chr5:112,837,715, C>T. VCF-style: chr5-112837715-C-T. GRCh37 (hg19) VCF-style: chr5-112173412-C-T.
Other names: c.2121C>T, p.Leu707= (NM_001127510.3, NM_001354895.2, NM_001407450.1); c.2067C>T, p.Leu689= (NM_001127511.3); c.2175C>T, p.Leu725= (NM_001354896.2, NM_001407447.1, NM_001407448.1 and 1 more transcripts); c.2151C>T, p.Leu717= (NM_001354897.2); c.2046C>T, p.Leu682= (NM_001354898.2); c.2037C>T, p.Leu679= (NM_001354899.2); c.1998C>T, p.Leu666= (NM_001354900.2); c.1944C>T, p.Leu648= (NM_001354901.2, NM_001407453.1); and 11 more.
Identifiers: ClinVar variation 3148274 (VCV003148274.2), dbSNP rs1174765539, ClinGen allele CA445963435.